The following is an entry in ClinVar:

ClinVar aggregate classification (germline): Uncertain significance (1 of 4 stars; one submission).

Submission:

GeneDx
Classification: Uncertain significance. Last evaluated: 2017-06-13. Review status: criteria provided, single submitter. Criteria: GeneDx Variant Classification (06012015). Collection method: clinical testing. Allele origin: germline. Affected: yes.
Comment: A variant of uncertain significance has been identified in the TCAP gene. The E43K variant has not been published as pathogenic or been reported as benign to our knowledge. This variant is not observed in large population cohorts (Lek et al., 2016; 1000 Genomes Consortium et al., 2015; Exome Variant Server). The E43K variant is a non-conservative amino acid substitution, which is likely to impact secondary protein structure as these residues differ in polarity, charge, size and/or other properties. However, this substitution occurs at a position that is only conserved in mammals. Finally, in silico analysis is inconsistent in its predictions as to whether or not the variant is damaging to the protein structure/function.

NM_003673.4(TCAP):c.127G>A (p.Glu43Lys)

Gene: TCAP (titin-cap; plus strand). Cytogenetic location: 17q12.
Variant type: single nucleotide variant.
Coding change: c.127G>A on transcript NM_003673.4 (MANE Select); coding-DNA position 127, G replaced by A.
Protein change: p.Glu43Lys; replaces glutamic acid 43 with lysine.
Molecular consequence: missense variant.
Genome position (GRCh38, 1-based): chr17:39,665,732, G>A. VCF-style: chr17-39665732-G-A. GRCh37 (hg19) VCF-style: chr17-37821985-G-A.
Other names: short protein forms E43K.
Identifiers: ClinVar variation 431890 (VCV000431890.2), dbSNP rs1202719855, ClinGen allele CA399303514.